The following is an entry in ClinVar:

ClinVar aggregate classification (germline): Benign/Likely benign. Review status: criteria provided, multiple submitters, no conflicts (2 of 4 stars). 3 submissions from 3 submitters: Benign (1); Likely benign (2). Last evaluated 2018-12-17.

Conditions:
Spinocerebellar ataxia type 28 (SCA28). Also called: Spinocerebellar Ataxia Type 28 (SCA28). Identifiers: Orphanet 101109, MedGen C1853249, MONDO:0012450, OMIM 610246.

Allele frequency attached by ClinVar (database versions not stated): gnomAD 0.00915 and 0.00850; 1000 Genomes Project 30x 0.01015; TOPMed 0.00963; 1000 Genomes Project 0.00978; gnomAD exomes 0.00099.
gnomAD v4.1: 2,345 of 1,177,410 alleles (0.2%); highest among the groups gnomAD compares: African/African-American, 3%; 35 homozygotes.

Submissions (3):

GeneDx
Classification: Likely benign. Last evaluated: 2018-12-17. Review status: criteria provided, single submitter. Criteria: GeneDx Variant Classification Process June 2021. Collection method: clinical testing. Allele origin: germline. Affected: yes.

Illumina Laboratory Services, Illumina
Classification: Benign for Spinocerebellar ataxia type 28. Last evaluated: 2018-01-13. Review status: criteria provided, single submitter. Criteria: ICSL Variant Classification Criteria 13 December 2019. Collection method: clinical testing. Allele origin: germline.
Comment: This variant was observed in the ICSL laboratory as part of a predisposition screen in an ostensibly healthy population. It had not been previously curated by ICSL or reported in the Human Gene Mutation Database (HGMD: prior to June 1st, 2018), and was therefore a candidate for classification through an automated scoring system. Utilizing variant allele frequency, disease prevalence and penetrance estimates, and inheritance mode, an automated score was calculated to assess if this variant is too frequent to cause the disease. Based on the score and internal cut-off values, a variant classified as benign is not then subjected to further curation. The score for this variant resulted in a classification of benign for this disease.

Breakthrough Genomics
Classification: Likely benign. Review status: criteria provided, single submitter. Criteria: ACMG Guidelines, 2015. Collection method: not provided. Allele origin: germline. Inheritance: Autosomal recessive inheritance. Affected: yes.

NM_006796.3(AFG3L2):c.*109A>C

Genes: AFG3L2 (AFG3 like matrix AAA peptidase subunit 2; minus strand), TUBB6 (tubulin beta 6 class V; plus strand). Cytogenetic location: 18p11.21.
Variant type: single nucleotide variant.
Coding change: c.*109A>C on transcript NM_006796.3 (MANE Select); 109 bases downstream of the stop codon, A replaced by C.
Molecular consequence: 3 prime UTR variant.
Genome position (GRCh38, 1-based): chr18:12,329,456, T>G on the plus strand (A>C on the coding strand, the complement: AFG3L2 is on the minus strand). VCF-style: chr18-12329456-T-G. GRCh37 (hg19) VCF-style: chr18-12329455-T-G.
Other names: c.*273T>G (NM_001303525.2).
Identifiers: ClinVar variation 326100 (VCV000326100.10), dbSNP rs114203162, ClinGen allele CA10650537.
Genomic context (GRCh38, chr18:12,329,456, plus strand): 5'-TGTGACCTCTGAGGCTGAAAGGACTAAGGACTCCTTTCCCCATCATTTCAGCTGGGCCAG[T>G]GGCTGGCTAAAATCAGCGCAGCATTCCCATTCTTCTGAAAGCCACAGCTGAAATAATGCA-3'